The following is an entry in ClinVar:

ClinVar aggregate classification (germline): Uncertain significance (1 of 4 stars; one submission).

Conditions:
Neurofibromatosis, type 1 (NF1). Also called: VON RECKLINGHAUSEN DISEASE; NEUROFIBROMATOSIS, TYPE I, SOMATIC; Peripheral type neurofibromatosis; Neurofibromatosis, type I. Identifiers: Orphanet 636, MedGen C0027831, MONDO:0018975, OMIM 162200. Disease mechanism: loss of function.

Submission:

Labcorp Genetics (formerly Invitae), Labcorp
Classification: Uncertain significance for Neurofibromatosis, type 1. Last evaluated: 2019-03-08. Review status: criteria provided, single submitter. Criteria: Invitae Variant Classification Sherloc (09022015). Collection method: clinical testing. Allele origin: germline.
Comment: This variant is not present in population databases (ExAC no frequency). This sequence change replaces arginine with tryptophan at codon 1416 of the NF1 protein (p.Arg1416Trp). The arginine residue is moderately conserved and there is a moderate physicochemical difference between arginine and tryptophan. This variant has not been reported in the literature in individuals with a NF1-related disease. In summary, this variant has uncertain impact on NF1 function. The available evidence is currently insufficient to determine its role in disease. Therefore, it has been classified as a Variant of Uncertain Significance. Algorithms developed to predict the effect of missense changes on protein structure and function do not agree on the potential impact of this missense change (SIFT: "Deleterious"; PolyPhen-2: "Probably Damaging"; Align-GVGD: "Class C0").

NM_001042492.3(NF1):c.4309A>T (p.Arg1437Trp)

Gene: NF1 (neurofibromin 1; plus strand). Cytogenetic location: 17q11.2.
Variant type: single nucleotide variant.
Coding change: c.4309A>T on transcript NM_001042492.3 (MANE Select); coding-DNA position 4309, A replaced by T.
Protein change: p.Arg1437Trp; replaces arginine 1437 with tryptophan.
Molecular consequence: missense variant.
Genome position (GRCh38, 1-based): chr17:31,258,479, A>T. VCF-style: chr17-31258479-A-T. GRCh37 (hg19) VCF-style: chr17-29585497-A-T.
Other names: c.4246A>T, p.Arg1416Trp (NM_000267.4); short protein forms R1416W, R1437W.
Identifiers: ClinVar variation 457691 (VCV000457691.7), dbSNP rs1555618558, ClinGen allele CA398998098.